The following is an entry in ClinVar:

NM_016203.4(PRKAG2):c.103G>T (p.Val35Leu)

Gene: PRKAG2 (protein kinase AMP-activated non-catalytic subunit gamma 2; minus strand). Cytogenetic location: 7q36.1.
Variant type: single nucleotide variant.
Coding change: c.103G>T on transcript NM_016203.4 (MANE Select); coding-DNA position 103, G replaced by T.
Protein change: p.Val35Leu; replaces valine 35 with leucine.
Molecular consequence: missense variant.
Genome position (GRCh38, 1-based): chr7:151,876,518, C>A on the plus strand (G>T on the coding strand, the complement: PRKAG2 is on the minus strand). VCF-style: chr7-151876518-C-A. GRCh37 (hg19) VCF-style: chr7-151573603-C-A.
Other names: short protein forms V35L.
Identifiers: ClinVar variation 925458 (VCV000925458.4), dbSNP rs778222674, ClinGen allele CA370071859.
Genomic context (GRCh38, chr7:151,876,518, plus strand): 5'-GGGAGCGACAGGAGGGCTGGGGAGCAGGGGACCGAGTGCTGGGACTCACCGGAATGTGCA[C>A]GCGCAGCGAACGCCTCTTCTGGCTGGCATTTTTCTTGCCGCCGCTCCCGCCGGGGCTGGA-3'
Protein context (NP_057287.2, residues 25-45): NASQKRRSLR[Val35Leu]HIPDLSSFAM

ClinVar aggregate classification (germline): Uncertain significance (1 of 4 stars; one submission).

Conditions:
Cardiomyopathy (CMYO). Also called: Cardiomyopathies. Identifiers: Orphanet 167848, MedGen C0878544, MONDO:0004994, HP:0001638. Inheritance: Various modes of inheritance.

Submission:

Color Diagnostics, LLC DBA Color Health
Classification: Uncertain significance for Cardiomyopathy. Last evaluated: 2023-12-04. Review status: criteria provided, single submitter. Criteria: ACMG Guidelines, 2015. Collection method: clinical testing. Allele origin: germline.
Comment: This missense variant replaces valine with leucine at codon 35 of the PRKAG2 protein. Computational prediction suggests that this variant may not impact protein structure and function (internally defined REVEL score threshold <= 0.5, PMID: 27666373). To our knowledge, functional studies have not been reported for this variant. This variant has not been reported in individuals affected with PRKAG2-related disorders in the literature. This variant has not been identified in the general population by the Genome Aggregation Database (gnomAD). The available evidence is insufficient to determine the role of this variant in disease conclusively. Therefore, this variant is classified as a Variant of Uncertain Significance.